The following is an entry in ClinVar:

NM_000260.4(MYO7A):c.4852+2T>C

Gene: MYO7A (myosin VIIA; plus strand). Cytogenetic location: 11q13.5.
Variant type: single nucleotide variant.
Coding change: c.4852+2T>C on transcript NM_000260.4 (MANE Select); the canonical splice donor site of the intron after coding-DNA position 4852, T replaced by C.
Molecular consequence: splice donor variant.
Genome position (GRCh38, 1-based): chr11:77,199,820, T>C. VCF-style: chr11-77199820-T-C. GRCh37 (hg19) VCF-style: chr11-76910865-T-C.
Other names: c.4705+2T>C (NM_001369365.1); c.4738+2T>C (NM_001127180.2).
Identifiers: ClinVar variation 1333427 (VCV001333427.1), dbSNP rs2135682219, ClinGen allele CA381951073.
Genomic context (GRCh38, chr11:77,199,820, plus strand): 5'-AGAGGGGCTCCGGAAGAGATCTAAGTATGTTGTGGCCCTGCAGGATAACCCCAACCCCGG[T>C]GAGTGGCTGCTGGTATGGACTGCCTGGCACTGGGGGTCAGGGTGTTATGCAGACTGTCTT-3'

ClinVar aggregate classification (germline): Likely pathogenic (1 of 4 stars; one submission).

Conditions:
Usher syndrome type 1 (USH1). Also called: RETINITIS PIGMENTOSA AND CONGENITAL DEAFNESS. Identifiers: Orphanet 231169, Orphanet 886, MedGen C1568247, MONDO:0010168, OMIM 276900.

Submission:

3billion
Classification: Likely pathogenic for Usher syndrome type 1. Last evaluated: 2022-01-03. Review status: criteria provided, single submitter. Criteria: ACMG Guidelines, 2015. Collection method: clinical testing. Allele origin: germline. Affected: yes. Observed: 1 heterozygote.
Comment: Canonical splice site: predicted to alter splicing and result in a loss or disruption of normal protein function through protein truncation. Multiple pathogenic variants are reported in the predicted truncated region (PVS1_VS).It is not observed in the gnomAD v2.1.1 dataset (PM2_M). Therefore, this variant is classified as likely pathogenic according to the recommendation of ACMG/AMP guideline.